The following is an entry in ClinVar:

NM_199242.3(UNC13D):c.3077C>G (p.Pro1026Arg)

Gene: UNC13D (unc-13 homolog D; minus strand). Cytogenetic location: 17q25.1.
Variant type: single nucleotide variant.
Coding change: c.3077C>G on transcript NM_199242.3 (MANE Select); coding-DNA position 3077, C replaced by G.
Protein change: p.Pro1026Arg; replaces proline 1026 with arginine.
Molecular consequence: missense variant.
Genome position (GRCh38, 1-based): chr17:75,828,861, G>C on the plus strand (C>G on the coding strand, the complement: UNC13D is on the minus strand). VCF-style: chr17-75828861-G-C. GRCh37 (hg19) VCF-style: chr17-73824942-G-C.
Other names: short protein forms P1026R.
Identifiers: ClinVar variation 1379821 (VCV001379821.5), dbSNP rs765680080, ClinGen allele CA401074363.

ClinVar aggregate classification (germline): Uncertain significance (1 of 4 stars; one submission).

Conditions:
Familial hemophagocytic lymphohistiocytosis 3 (FHL3). Also called: UNC13D-Related Familial Hemophagocytic Lymphohistiocytosis (UNC13D-fHLH). Identifiers: Orphanet 540, MedGen C1837174, MONDO:0012146, OMIM 608898.

Allele frequency attached by ClinVar (database versions not stated): TOPMed below 0.00001; gnomAD 0.00001.
gnomAD v4.1: 12 of 1,596,922 alleles (0.00075%); highest among the groups gnomAD compares: Admixed American, 0.0087%; no homozygotes.

Submission:

Labcorp Genetics (formerly Invitae), Labcorp
Classification: Uncertain significance for Familial hemophagocytic lymphohistiocytosis 3. Last evaluated: 2022-08-15. Review status: criteria provided, single submitter. Criteria: Invitae Variant Classification Sherloc (09022015). Collection method: clinical testing. Allele origin: germline.
Comment: This sequence change replaces proline, which is neutral and non-polar, with arginine, which is basic and polar, at codon 1026 of the UNC13D protein (p.Pro1026Arg). This variant is present in population databases (no rsID available, gnomAD 0.007%). This variant has not been reported in the literature in individuals affected with UNC13D-related conditions. ClinVar contains an entry for this variant (Variation ID: 1379821). Algorithms developed to predict the effect of missense changes on protein structure and function are either unavailable or do not agree on the potential impact of this missense change (SIFT: "Not Available"; PolyPhen-2: "Benign"; Align-GVGD: "Not Available"). Algorithms developed to predict the effect of sequence changes on RNA splicing suggest that this variant may create or strengthen a splice site. In summary, the available evidence is currently insufficient to determine the role of this variant in disease. Therefore, it has been classified as a Variant of Uncertain Significance.